The following is an entry in ClinVar:

NM_019888.3(MC3R):c.345C>T (p.His115=)

Gene: MC3R (melanocortin 3 receptor; plus strand). Cytogenetic location: 20q13.2.
Variant type: single nucleotide variant.
Coding change: c.345C>T on transcript NM_019888.3 (MANE Select); coding-DNA position 345, C replaced by T.
Protein change: p.His115=; no amino-acid change (histidine 115 retained).
Molecular consequence: synonymous variant.
Genome position (GRCh38, 1-based): chr20:56,249,188, C>T. VCF-style: chr20-56249188-C-T. GRCh37 (hg19) VCF-style: chr20-54824244-C-T.
Identifiers: ClinVar variation 5002036 (VCV005002036.1).
Genomic context (GRCh38, chr20:56,249,188, plus strand): 5'-CATCATGATCGCCATCGTCCACAGCGACTACCTGACCTTCGAGGACCAGTTTATCCAGCA[C>T]ATGGACAACATCTTCGACTCCATGATCTGCATCTCCCTGGTGGCCTCCATCTGCAACCTC-3'
Protein context (NP_063941.3, residues 105-125): YLTFEDQFIQ[His115=]MDNIFDSMIC

ClinVar aggregate classification (germline): Likely benign (1 of 4 stars; one submission).

Conditions:
MC3R-related disorder. Also called: MC3R-related condition.

Submission:

PreventionGenetics, part of Exact Sciences
Classification: Likely benign for MC3R-related condition. Last evaluated: 2025-05-30. Review status: criteria provided, single submitter. Criteria: ACMG Guidelines, 2015. Collection method: clinical testing. Allele origin: germline.
Comment: This variant is classified as likely benign based on ACMG/AMP sequence variant interpretation guidelines (Richards et al. 2015 PMID: 25741868, with internal and published modifications).